The following is an entry in ClinVar:

ClinVar aggregate classification (germline): Uncertain significance (0 of 4 stars; one submission).

Conditions:
PLXNA4-related disorder. Also called: PLXNA4-related condition.

Submission:

PreventionGenetics, part of Exact Sciences
Classification: Uncertain significance for PLXNA4-related condition. Last evaluated: 2024-09-19. Review status: no assertion criteria provided. Collection method: clinical testing. Allele origin: germline.
Comment: The PLXNA4 c.524C>G variant is predicted to result in the amino acid substitution p.Ser175Cys. To our knowledge, this variant has not been reported in the literature or in a large population database, indicating this variant is rare. At this time, the clinical significance of this variant is uncertain due to the absence of conclusive functional and genetic evidence.

NM_020911.2(PLXNA4):c.524C>G (p.Ser175Cys)

Gene: PLXNA4 (plexin A4; minus strand). Cytogenetic location: 7q32.3.
Variant type: single nucleotide variant.
Coding change: c.524C>G on transcript NM_020911.2 (MANE Select); coding-DNA position 524, C replaced by G.
Protein change: p.Ser175Cys; replaces serine 175 with cysteine.
Molecular consequence: missense variant.
Genome position (GRCh38, 1-based): chr7:132,508,170, G>C on the plus strand (C>G on the coding strand, the complement: PLXNA4 is on the minus strand). VCF-style: chr7-132508170-G-C. GRCh37 (hg19) VCF-style: chr7-132192929-G-C.
Other names: c.524C>G, p.Ser175Cys (NM_001105543.2, NM_001393897.1, NM_181775.4); short protein forms S175C.
Identifiers: ClinVar variation 3344964 (VCV003344964.1).